The following is an entry in ClinVar:

ClinVar aggregate classification (germline): Uncertain significance. Review status: criteria provided, multiple submitters, no conflicts (2 of 4 stars). 2 submissions from 2 submitters: Uncertain significance (2). Last evaluated 2025-12-15.

Conditions:
Pitt-Hopkins syndrome (PTHS). Also called: ENCEPHALOPATHY, SEVERE EPILEPTIC, WITH AUTONOMIC DYSFUNCTION; MENTAL RETARDATION, SYNDROMAL, WITH INTERMITTENT HYPERVENTILATION. Identifiers: Orphanet 2896, MedGen C1970431, MONDO:0012589, OMIM 610954.
Inborn genetic diseases. Identifiers: MedGen C0950123, MeSH D030342.

Submissions (2):

Ambry Genetics
Classification: Uncertain significance for Inborn genetic diseases. Last evaluated: 2025-12-15. Review status: criteria provided, single submitter. Criteria: Ambry Variant Classification Scheme 2023. Collection method: clinical testing. Allele origin: germline.

Labcorp Genetics (formerly Invitae), Labcorp
Classification: Uncertain significance for Pitt-Hopkins syndrome. Last evaluated: 2023-11-27. Review status: criteria provided, single submitter. Criteria: Invitae Variant Classification Sherloc (09022015). Collection method: clinical testing. Allele origin: germline.
Comment: This sequence change replaces threonine, which is neutral and polar, with isoleucine, which is neutral and non-polar, at codon 170 of the TCF4 protein (p.Thr170Ile). This variant is not present in population databases (gnomAD no frequency). This variant has not been reported in the literature in individuals affected with TCF4-related conditions. ClinVar contains an entry for this variant (Variation ID: 1970150). Advanced modeling of protein sequence and biophysical properties (such as structural, functional, and spatial information, amino acid conservation, physicochemical variation, residue mobility, and thermodynamic stability) performed at Invitae indicates that this missense variant is not expected to disrupt TCF4 protein function with a negative predictive value of 80%. In summary, the available evidence is currently insufficient to determine the role of this variant in disease. Therefore, it has been classified as a Variant of Uncertain Significance.

NM_001083962.2(TCF4):c.509C>T (p.Thr170Ile)

Gene: TCF4 (transcription factor 4; minus strand). Cytogenetic location: 18q21.2.
Variant type: single nucleotide variant.
Coding change: c.509C>T on transcript NM_001083962.2 (MANE Select); coding-DNA position 509, C replaced by T.
Protein change: p.Thr170Ile; replaces threonine 170 with isoleucine.
Molecular consequence: missense variant.
Genome position (GRCh38, 1-based): chr18:55,350,399, G>A on the plus strand (C>T on the coding strand, the complement: TCF4 is on the minus strand). VCF-style: chr18-55350399-G-A. GRCh37 (hg19) VCF-style: chr18-53017630-G-A.
Other names: c.815C>T, p.Thr272Ile (NM_001243226.3); c.437C>T, p.Thr146Ile (NM_001243227.2, NM_001306207.1, NM_001348217.1 and 9 more transcripts); c.509C>T, p.Thr170Ile (NM_001243228.2, NM_001330604.3, NM_001369567.1 and 5 more transcripts); c.503C>T, p.Thr168Ile (NM_001243230.2); c.383C>T, p.Thr128Ile (NM_001243231.2, NM_001348211.2); c.296C>T, p.Thr99Ile (NM_001243232.1, NM_001306208.1); c.119C>T, p.Thr40Ile (NM_001243233.2, NM_001330605.3, NM_001348212.2 and 1 more transcripts); c.434C>T, p.Thr145Ile (NM_001348220.1, NM_001369581.1, NM_001369584.1 and 3 more transcripts); and 2 more; short protein forms T146I, T40I, T99I, T128I, T168I, T272I, T145I, T169I.
Identifiers: ClinVar variation 1970150 (VCV001970150.6), dbSNP rs2514731450, ClinGen allele CA402702412.
Genomic context (GRCh38, chr18:55,350,399, plus strand): 5'-CAGAAACAAGCAGTACTTACTGAAGATGGCAAACCTGGAGGAACTTTTCGAACTTTCTTT[G>A]TCTGTACCTCTGAAAGAAAATGAAGATGCTTTCAGCTCCCAAATGCCCATTTTCCTAACT-3'
Protein context (NP_001077431.1, residues 160-180): PLHSSAMEVQ[Thr170Ile]KKVRKVPPGL